The following is an entry in ClinVar:

ClinVar aggregate classification (germline): Uncertain significance. Review status: criteria provided, multiple submitters, no conflicts (2 of 4 stars). 2 submissions from 2 submitters: Uncertain significance (2). Last evaluated 2025-07-23.

Conditions:
Joubert syndrome 1 (JBTS1). Also called: Cerebellooculorenal syndrome 1; CEREBELLOPARENCHYMAL DISORDER IV. Identifiers: MedGen C4551568, MONDO:0008944, OMIM 213300.

Allele frequency attached by ClinVar (database versions not stated): ExAC 0.00001; gnomAD 0.00001; gnomAD exomes 0.00001.
gnomAD v4.1: 11 of 1,611,784 alleles (0.00068%); highest among the groups gnomAD compares: South Asian, 0.011%; no homozygotes.

Submissions (2):

Women's Health and Genetics/Laboratory Corporation of America, LabCorp
Classification: Uncertain significance. Last evaluated: 2025-07-23. Review status: criteria provided, single submitter. Criteria: LabCorp Variant Classification Summary - May 2015. Collection method: clinical testing. Allele origin: germline.
Comment: Variant summary: INPP5E c.856G>A (p.Gly286Arg) results in a non-conservative amino acid change in the encoded protein sequence. Algorithms developed to predict the effect of missense changes on protein structure and function all suggest that this variant is likely to be disruptive. The variant allele was found at a frequency of 4.1e-06 in 244236 control chromosomes. c.856G>A has been observed in individual(s) affected with Joubert Syndrome And Related Disorders (examples: Travaglini_2013, Pranav_2023). These data indicate that the variant may be associated with disease. To our knowledge, no experimental evidence demonstrating an impact on protein function has been reported. The following publications have been ascertained in the context of this evaluation (PMID: 36801247, 23386033). ClinVar contains an entry for this variant (Variation ID: 2627486). Based on the evidence outlined above, the variant was classified as VUS-possibly pathogenic.

Neuberg Centre For Genomic Medicine, NCGM
Classification: Uncertain significance for Joubert syndrome 1. Review status: criteria provided, single submitter. Criteria: ACMG Guidelines, 2015. Collection method: clinical testing. Allele origin: germline. Inheritance: Autosomal recessive inheritance. Affected: yes.
Comment: The missense variant p.G286R in INPP5E (NM_019892.6) has not been reported previously as a pathogenic variant nor as a benign variant, to our knowledge. The p.G286R variant is observed in 1/30,244 (0.0033%) alleles from individuals of South Asian background in gnomAD Exomes and is novel (not in any individuals) in 1000 Genomes.The p.G286R missense variant is predicted to be damaging by both SIFT and PolyPhen2. The glycine residue at codon 286 of INPP5E is conserved in all mammalian species. The nucleotide c.856 in INPP5E is predicted conserved by GERP++ and PhyloP across 100 vertebrates. For these reasons, this variant has been classified as Uncertain Significance.

Literature cited by the submitters: PubMed 23386033 (cited by Women's Health and Genetics/Laboratory Corporation of America, LabCorp); PubMed 36801247 (cited by Women's Health and Genetics/Laboratory Corporation of America, LabCorp).

NM_019892.6(INPP5E):c.856G>A (p.Gly286Arg)

Gene: INPP5E (inositol polyphosphate-5-phosphatase E; minus strand). Cytogenetic location: 9q34.3.
Variant type: single nucleotide variant.
Coding change: c.856G>A on transcript NM_019892.6 (MANE Select); coding-DNA position 856, G replaced by A.
Protein change: p.Gly286Arg; replaces glycine 286 with arginine.
Molecular consequence: missense variant.
Genome position (GRCh38, 1-based): chr9:136,434,820, C>T on the plus strand (G>A on the coding strand, the complement: INPP5E is on the minus strand). VCF-style: chr9-136434820-C-T. GRCh37 (hg19) VCF-style: chr9-139329272-C-T.
Other names: c.856G>A, p.Gly286Arg (NM_001318502.2); short protein forms G286R.
Identifiers: ClinVar variation 2627486 (VCV002627486.2), dbSNP rs757936530, ClinGen allele CA5337051.